The following is an entry in ClinVar:

NM_144691.4(CAPN12):c.1056C>T (p.Gly352=)

Gene: CAPN12 (calpain 12; minus strand). Cytogenetic location: 19q13.2.
Variant type: single nucleotide variant.
Coding change: c.1056C>T on transcript NM_144691.4 (MANE Select); coding-DNA position 1056, C replaced by T.
Protein change: p.Gly352=; no amino-acid change (glycine 352 retained).
Molecular consequence: synonymous variant.
Genome position (GRCh38, 1-based): chr19:38,737,548, G>A on the plus strand (C>T on the coding strand, the complement: CAPN12 is on the minus strand). VCF-style: chr19-38737548-G-A. GRCh37 (hg19) VCF-style: chr19-39228188-G-A.
Identifiers: ClinVar variation 778830 (VCV000778830.6), dbSNP rs116231396, ClinGen allele CA9418900.

ClinVar aggregate classification (germline): Benign. Review status: criteria provided, multiple submitters, no conflicts (2 of 4 stars). 3 submissions from 3 submitters: Benign (2). 1 of the submissions does not count toward it. Last evaluated 2018-06-27.

Conditions:
CAPN12-related disorder. Also called: CAPN12-related condition.

Allele frequency attached by ClinVar (database versions not stated): gnomAD 0.00735 and 0.00803; TOPMed 0.00741; ESP Exome Variant Server 0.00872; 1000 Genomes Project 0.00919; 1000 Genomes Project 30x 0.01031.
gnomAD v4.1: 2,247 of 1,612,384 alleles (0.14%); highest among the groups gnomAD compares: African/African-American, 2.7%; 29 homozygotes.

Submissions (3):

Labcorp Genetics (formerly Invitae), Labcorp
Classification: Benign. Last evaluated: 2018-06-27. Review status: criteria provided, single submitter. Criteria: Invitae Variant Classification Sherloc (09022015). Collection method: clinical testing. Allele origin: germline.

Breakthrough Genomics
Classification: Benign. Review status: criteria provided, single submitter. Criteria: ACMG Guidelines, 2015. Collection method: not provided. Allele origin: germline. Inheritance: Unknown mechanism. Affected: yes.

PreventionGenetics, part of Exact Sciences
Classification: Benign for CAPN12-related condition. Last evaluated: 2019-11-20. Review status: no assertion criteria provided. Collection method: clinical testing. Allele origin: germline. Not counted in ClinVar's aggregate classification.
Comment: This variant is classified as benign based on ACMG/AMP sequence variant interpretation guidelines (Richards et al. 2015 PMID: 25741868, with internal and published modifications).